The following is an entry in ClinVar:

NM_004260.4(RECQL4):c.3555A>T (p.Arg1185Ser)

Gene: RECQL4 (RecQ like helicase 4; minus strand). Cytogenetic location: 8q24.3.
Variant type: single nucleotide variant.
Coding change: c.3555A>T on transcript NM_004260.4 (MANE Select); coding-DNA position 3555, A replaced by T.
Protein change: p.Arg1185Ser; replaces arginine 1185 with serine.
Molecular consequence: missense variant.
Genome position (GRCh38, 1-based): chr8:144,511,503, T>A on the plus strand (A>T on the coding strand, the complement: RECQL4 is on the minus strand). VCF-style: chr8-144511503-T-A. GRCh37 (hg19) VCF-style: chr8-145736886-T-A.
Other names: short protein forms R1185S.
Identifiers: ClinVar variation 1521861 (VCV001521861.6), dbSNP rs1586787396, ClinGen allele CA372665873.
Genomic context (GRCh38, chr8:144,511,503, plus strand): 5'-CTGCAGGAGCTCTTCCGTGGCCAGGCCCACCAGGGCATGGAAGCTCAGGTGCAGGTATTT[T>A]CTCCAGAAGCGTCGGTCCTGCCCGTACACCTGGGCCGGGTAGCAGGGGCTTCCTACGGTG-3'
Protein context (NP_004251.4, residues 1175-1195): QVYGQDRRFW[Arg1185Ser]KYLHLSFHAL

ClinVar aggregate classification (germline): Uncertain significance (1 of 4 stars; one submission).

Conditions:
Baller-Gerold syndrome (BGS). Also called: CRANIOSYNOSTOSIS WITH RADIAL DEFECTS. Identifiers: Orphanet 1225, MedGen C0265308, MONDO:0009039, OMIM 218600.

Allele frequency attached by ClinVar (database versions not stated): gnomAD 0.00001.
gnomAD v4.1: 5 of 1,612,452 alleles (0.00031%); highest among the groups gnomAD compares: South Asian, 0.0044%; no homozygotes.

Submission:

Labcorp Genetics (formerly Invitae), Labcorp
Classification: Uncertain significance for Baller-Gerold syndrome. Last evaluated: 2021-03-31. Review status: criteria provided, single submitter. Criteria: Invitae Variant Classification Sherloc (09022015). Collection method: clinical testing. Allele origin: germline.
Comment: This sequence change replaces arginine with serine at codon 1185 of the RECQL4 protein (p.Arg1185Ser). The arginine residue is highly conserved and there is a moderate physicochemical difference between arginine and serine. This variant is not present in population databases (ExAC no frequency). In summary, the available evidence is currently insufficient to determine the role of this variant in disease. Therefore, it has been classified as a Variant of Uncertain Significance. Experimental studies and prediction algorithms are not available or were not evaluated, and the functional significance of this variant is currently unknown. This variant has not been reported in the literature in individuals with RECQL4-related conditions.